The following is an entry in ClinVar:

ClinVar aggregate classification (germline): Likely pathogenic (1 of 4 stars; one submission).

Conditions:
Hypercholesterolemia, autosomal dominant, 3 (FHCL3). Also called: PCSK9-Related Familial Hypercholesterolemia, Autosomal Dominant; Familial hypercholesterolemia 3; Familial Hypercholesterolemia, Autosomal Dominant, 3. Identifiers: MedGen C1863551, MONDO:0011369, OMIM 603776.

Submission:

Laboratory of molecular diagnosis of dyslipidemias, Università egli studi di Napoli Federico II
Classification: Likely pathogenic for Hypercholesterolemia, autosomal dominant, 3. Last evaluated: 2021-05-24. Review status: criteria provided, single submitter. Criteria: ACMG Guidelines, 2015. Collection method: clinical testing. Allele origin: germline. Affected: yes. Observed: 1 variant allele.
Comment: Gain of function according to functional studies PMID:29127338

Literature cited by the submitters: PubMed 29127338.

NM_174936.4(PCSK9):c.1906A>C (p.Ser636Arg)

Gene: PCSK9 (proprotein convertase subtilisin/kexin type 9; plus strand). Cytogenetic location: 1p32.3.
Variant type: single nucleotide variant.
Coding change: c.1906A>C on transcript NM_174936.4 (MANE Select); coding-DNA position 1906, A replaced by C.
Protein change: p.Ser636Arg; replaces serine 636 with arginine.
Molecular consequence: missense variant.
Genome position (GRCh38, 1-based): chr1:55,063,411, A>C. VCF-style: chr1-55063411-A-C. GRCh37 (hg19) VCF-style: chr1-55529084-A-C.
Other names: c.2029A>C, p.Ser677Arg (NM_001407240.1); c.1948A>C, p.Ser650Arg (NM_001407241.1); c.1909A>C, p.Ser637Arg (NM_001407242.1); c.1849A>C, p.Ser617Arg (NM_001407243.1); c.1732A>C, p.Ser578Arg (NM_001407244.1); c.1714A>C, p.Ser572Arg (NM_001407245.1); c.1531A>C, p.Ser511Arg (NM_001407246.1); c.1405A>C, p.Ser469Arg (NM_001407247.1); short protein forms S636R, S578R, S617R, S511R, S572R, S650R, S677R, S469R.
Identifiers: ClinVar variation 1120257 (VCV001120257.2), dbSNP rs2100343401, ClinGen allele CA340480630.
Genomic context (GRCh38, chr1:55,063,411, plus strand): 5'-TTCCTCGGGCTCTGGCAGGTGACCGTGGCCTGCGAGGAGGGCTGGACCCTGACTGGCTGC[A>C]GTGCCCTCCCTGGGACCTCCCACGTCCTGGGGGCCTACGCCGTAGACAACACGTGTGTAG-3'
Protein context (NP_777596.2, residues 626-646): CEEGWTLTGC[Ser636Arg]ALPGTSHVLG